The following is an entry in ClinVar:

NM_018124.4(RFWD3):c.766G>T (p.Asp256Tyr)

Gene: RFWD3 (ring finger and WD repeat domain 3; minus strand). Cytogenetic location: 16q23.1.
Variant type: single nucleotide variant.
Coding change: c.766G>T on transcript NM_018124.4 (MANE Select); coding-DNA position 766, G replaced by T.
Protein change: p.Asp256Tyr; replaces aspartic acid 256 with tyrosine.
Molecular consequence: missense variant. On other transcripts: 5 prime UTR variant (3), intron variant (2).
Genome position (GRCh38, 1-based): chr16:74,649,158, C>A on the plus strand (G>T on the coding strand, the complement: RFWD3 is on the minus strand). VCF-style: chr16-74649158-C-A. GRCh37 (hg19) VCF-style: chr16-74683056-C-A.
Other names: c.766G>T (NM_018124.3); c.766G>T, p.Asp256Tyr (NM_001370534.1, NM_001370535.1, NM_001370536.1); c.-243G>T (NM_001370537.1); c.-69G>T (NM_001370539.1, NM_001370540.1); c.-43+2762G>T (NM_001370543.1); c.-164-80G>T (NM_001370542.1); short protein forms D256Y.
Identifiers: ClinVar variation 3679484 (VCV003679484.3).

ClinVar aggregate classification (germline): Uncertain significance. Review status: criteria provided, multiple submitters, no conflicts (2 of 4 stars). 2 submissions from 2 submitters: Uncertain significance (2). Last evaluated 2025-08-28.

gnomAD v4.1: 5 of 1,571,188 alleles (0.00032%); highest among the groups gnomAD compares: Non-Finnish European, 0.00026%; no homozygotes.

Submissions (2):

Ambry Genetics
Classification: Uncertain significance. Last evaluated: 2025-08-28. Review status: criteria provided, single submitter. Criteria: Ambry Variant Classification Scheme 2023. Collection method: clinical testing. Allele origin: germline.

Labcorp Genetics (formerly Invitae), Labcorp
Classification: Uncertain significance. Last evaluated: 2025-03-06. Review status: criteria provided, single submitter. Criteria: Invitae Variant Classification Sherloc (09022015). Collection method: clinical testing. Allele origin: germline.
Comment: This sequence change replaces aspartic acid, which is acidic and polar, with tyrosine, which is neutral and polar, at codon 256 of the RFWD3 protein (p.Asp256Tyr). This variant is present in population databases (no rsID available, gnomAD no frequency). This variant has not been reported in the literature in individuals affected with RFWD3-related conditions. An algorithm developed to predict the effect of missense changes on protein structure and function (PolyPhen-2) suggests that this variant is likely to be tolerated. In summary, the available evidence is currently insufficient to determine the role of this variant in disease. Therefore, it has been classified as a Variant of Uncertain Significance.